The following is an entry in ClinVar:

ClinVar aggregate classification (germline): Uncertain significance (1 of 4 stars; one submission).

Submission:

GeneDx
Classification: Uncertain significance. Last evaluated: 2023-03-03. Review status: criteria provided, single submitter. Criteria: GeneDx Variant Classification Process June 2021. Collection method: clinical testing. Allele origin: germline. Affected: yes.
Comment: Not observed at significant frequency in large population cohorts (gnomAD); In silico analysis supports that this missense variant has a deleterious effect on protein structure/function; Has not been previously published as pathogenic or benign to our knowledge

NM_015915.5(ATL1):c.404C>T (p.Pro135Leu)

Gene: ATL1 (atlastin GTPase 1; plus strand). Cytogenetic location: 14q22.1.
Variant type: single nucleotide variant.
Coding change: c.404C>T on transcript NM_015915.5 (MANE Select); coding-DNA position 404, C replaced by T.
Protein change: p.Pro135Leu; replaces proline 135 with leucine.
Molecular consequence: missense variant.
Genome position (GRCh38, 1-based): chr14:50,591,062, C>T. VCF-style: chr14-50591062-C-T. GRCh37 (hg19) VCF-style: chr14-51057780-C-T.
Other names: c.404C>T, p.Pro135Leu (NM_001127713.1, NM_181598.4); short protein forms P135L.
Identifiers: ClinVar variation 2578138 (VCV002578138.1), dbSNP rs2504492273, ClinGen allele CA389666980.